The following is an entry in ClinVar:

NM_182961.4(SYNE1):c.21039+151C>T

Gene: SYNE1 (spectrin repeat containing nuclear envelope protein 1; minus strand). Cytogenetic location: 6q25.2.
Variant type: single nucleotide variant.
Coding change: c.21039+151C>T on transcript NM_182961.4 (MANE Select); 151 bases into the intron after coding-DNA position 21039, C replaced by T.
Molecular consequence: intron variant.
Genome position (GRCh38, 1-based): chr6:152,231,240, G>A on the plus strand (C>T on the coding strand, the complement: SYNE1 is on the minus strand). VCF-style: chr6-152231240-G-A. GRCh37 (hg19) VCF-style: chr6-152552375-G-A.
Other names: c.20826+151C>T (NM_033071.5).
Identifiers: ClinVar variation 670198 (VCV000670198.1), dbSNP rs2274142, ClinGen allele CA12213377.

ClinVar aggregate classification (germline): Benign (1 of 4 stars; one submission).

Allele frequency attached by ClinVar (database versions not stated): TOPMed 0.62858; gnomAD 0.63629 and 0.63796; 1000 Genomes Project 30x 0.66146; 1000 Genomes Project 0.66414.
gnomAD v4.1: 477,881 of 749,164 alleles (64%); highest among the groups gnomAD compares: East Asian, 76%; 154,759 homozygotes.

Submission:

GeneDx
Classification: Benign. Last evaluated: 2018-06-14. Review status: criteria provided, single submitter. Criteria: GeneDx Variant Classification (06012015). Collection method: clinical testing. Allele origin: germline. Affected: yes.
Comment: This variant is considered likely benign or benign based on one or more of the following criteria: it is a conservative change, it occurs at a poorly conserved position in the protein, it is predicted to be benign by multiple in silico algorithms, and/or has population frequency not consistent with disease.